The following is an entry in ClinVar:

NM_001204375.2(NPR3):c.398G>T (p.Gly133Val)

Genes: NPR3 (natriuretic peptide receptor 3; plus strand), LOC123493284 (Sharpr-MPRA regulatory region 158; plus strand). Cytogenetic location: 5p13.3.
Variant type: single nucleotide variant.
Coding change: c.398G>T on transcript NM_001204375.2 (MANE Select); coding-DNA position 398, G replaced by T.
Protein change: p.Gly133Val; replaces glycine 133 with valine.
Molecular consequence: missense variant. On other transcripts: intron variant (4).
Genome position (GRCh38, 1-based): chr5:32,712,174, G>T. VCF-style: chr5-32712174-G-T. GRCh37 (hg19) VCF-style: chr5-32712280-G-T.
Other names: c.398G>T, p.Gly133Val (NM_000908.4); c.50-12524G>T (NM_001364458.2); c.121+1391G>T (NM_001363652.2, NM_001204376.2, NM_001364460.2); short protein forms G133V.
Identifiers: ClinVar variation 3376024 (VCV003376024.1).
Genomic context (GRCh38, chr5:32,712,174, plus strand): 5'-TCTTCAGCTTGGTGGACCGCGTGGCGGCGGCGCGGGGCGCCAAGCCAGACCTTATCCTGG[G>T]GCCAGTGTGCGAGTATGCAGCAGCGCCAGTGGCCCGGCTTGCATCGCACTGGGACCTGCC-3'
Protein context (NP_001191304.1, residues 123-143): ARGAKPDLIL[Gly133Val]PVCEYAAAPV

ClinVar aggregate classification (germline): Uncertain significance (1 of 4 stars; one submission).

Submission:

GeneDx
Classification: Uncertain significance. Last evaluated: 2024-05-08. Review status: criteria provided, single submitter. Criteria: GeneDx Variant Classification Process June 2021. Collection method: clinical testing. Allele origin: germline. Affected: yes.
Comment: Not observed at significant frequency in large population cohorts (gnomAD); In silico analysis supports that this missense variant has a deleterious effect on protein structure/function; Has not been previously published as pathogenic or benign to our knowledge